The following is an entry in ClinVar:

NM_002074.5(GNB1):c.699C>T (p.Cys233=)

Gene: GNB1 (G protein subunit beta 1; minus strand). Cytogenetic location: 1p36.33.
Variant type: single nucleotide variant.
Coding change: c.699C>T on transcript NM_002074.5 (MANE Select); coding-DNA position 699, C replaced by T.
Protein change: p.Cys233=; no amino-acid change (cysteine 233 retained).
Molecular consequence: synonymous variant.
Genome position (GRCh38, 1-based): chr1:1,790,395, G>A on the plus strand (C>T on the coding strand, the complement: GNB1 is on the minus strand). VCF-style: chr1-1790395-G-A. GRCh37 (hg19) VCF-style: chr1-1721834-G-A.
Other names: c.399C>T, p.Cys133= (NM_001282538.2); c.699C>T, p.Cys233= (NM_001282539.2).
Identifiers: ClinVar variation 4780572 (VCV004780572.1).

ClinVar aggregate classification (germline): Uncertain significance (1 of 4 stars; one submission).

gnomAD v4.1: 16 of 1,608,048 alleles (0.00099%); highest among the groups gnomAD compares: Middle Eastern, 0.016%; no homozygotes.

Submission:

Labcorp Genetics (formerly Invitae), Labcorp
Classification: Uncertain significance. Last evaluated: 2026-01-28. Review status: criteria provided, single submitter. Criteria: Invitae Variant Classification Sherloc (09022015). Collection method: clinical testing. Allele origin: germline.
Comment: This sequence change affects codon 233 of the GNB1 mRNA. It is a 'silent' change, meaning that it does not change the encoded amino acid sequence of the GNB1 protein. It affects a nucleotide within the consensus splice site. This variant is present in population databases (rs766426530, gnomAD 0.003%). This variant has not been reported in the literature in individuals affected with GNB1-related conditions. Algorithms developed to predict the effect of sequence changes on RNA splicing suggest that this variant is not likely to affect RNA splicing. In summary, the available evidence is currently insufficient to determine the role of this variant in disease. Therefore, it has been classified as a Variant of Uncertain Significance.